The following is an entry in ClinVar:

NM_000038.6(APC):c.2662G>T (p.Ala888Ser)

Gene: APC (APC regulator of Wnt signaling pathway; plus strand). Cytogenetic location: 5q22.2.
Variant type: single nucleotide variant.
Coding change: c.2662G>T on transcript NM_000038.6 (MANE Select); coding-DNA position 2662, G replaced by T.
Protein change: p.Ala888Ser; replaces alanine 888 with serine.
Molecular consequence: missense variant.
Genome position (GRCh38, 1-based): chr5:112,838,256, G>T. VCF-style: chr5-112838256-G-T. GRCh37 (hg19) VCF-style: chr5-112173953-G-T.
Other names: c.2662G>T, p.Ala888Ser (NM_001127510.3, NM_001354895.2); c.2608G>T, p.Ala870Ser (NM_001127511.3); c.2716G>T, p.Ala906Ser (NM_001354896.2); c.2692G>T, p.Ala898Ser (NM_001354897.2); c.2587G>T, p.Ala863Ser (NM_001354898.2); c.2578G>T, p.Ala860Ser (NM_001354899.2); c.2539G>T, p.Ala847Ser (NM_001354900.2); c.2485G>T, p.Ala829Ser (NM_001354901.2); and 5 more; short protein forms A870S, A888S, A605S, A762S, A787S, A863S, A898S, A797S.
Identifiers: ClinVar variation 490249 (VCV000490249.18), dbSNP rs1554084353, ClinGen allele CA16027144.

ClinVar aggregate classification (germline): Uncertain significance. Review status: criteria provided, multiple submitters, no conflicts (2 of 4 stars). 5 submissions from 5 submitters: Uncertain significance (5). Last evaluated 2025-05-13.

Conditions:
Familial adenomatous polyposis 1 (FAP1). Also called: POLYPOSIS, ADENOMATOUS INTESTINAL; FAMILIAL ADENOMATOUS POLYPOSIS 1, ATTENUATED. Identifiers: MedGen C2713442, MONDO:0021056, OMIM 175100. Disease mechanism: loss of function.
Hereditary cancer-predisposing syndrome. Also called: Tumor predisposition; Hereditary Cancer Syndrome; Neoplastic Syndromes, Hereditary; Hereditary neoplastic syndrome. Identifiers: Orphanet 140162, MedGen C0027672, MeSH D009386, MONDO:0015356.

gnomAD v4.1: 3 of 1,614,198 alleles (0.00019%); highest among the groups gnomAD compares: African/African-American, 0.0027%; no homozygotes.

Submissions (5):

Ambry Genetics
Classification: Uncertain significance for Hereditary cancer-predisposing syndrome. Last evaluated: 2025-05-13. Review status: criteria provided, single submitter. Criteria: Ambry Variant Classification Scheme 2023. Collection method: clinical testing. Allele origin: germline.
Comment: The p.A888S variant (also known as c.2662G>T), located in coding exon 15 of the APC gene, results from a G to T substitution at nucleotide position 2662. The alanine at codon 888 is replaced by serine, an amino acid with similar properties. This amino acid position is well conserved in available vertebrate species. In addition, in silico predictors for this gene do not accurately predict pathogenicity. Based on the available evidence, the clinical significance of this variant remains unclear.

Molecular Pathology, Peter Maccallum Cancer Centre
Classification: Uncertain significance for Familial adenomatous polyposis 1. Last evaluated: 2024-11-21. Review status: criteria provided, single submitter. Criteria: ACMG Guidelines, 2015. Collection method: clinical testing. Allele origin: germline. Inheritance: Autosomal dominant inheritance.

Labcorp Genetics (formerly Invitae), Labcorp
Classification: Uncertain significance for Familial adenomatous polyposis 1. Last evaluated: 2023-12-21. Review status: criteria provided, single submitter. Criteria: Invitae Variant Classification Sherloc (09022015). Collection method: clinical testing. Allele origin: germline.
Comment: This sequence change replaces alanine, which is neutral and non-polar, with serine, which is neutral and polar, at codon 888 of the APC protein (p.Ala888Ser). This variant is not present in population databases (gnomAD no frequency). This variant has not been reported in the literature in individuals affected with APC-related conditions. ClinVar contains an entry for this variant (Variation ID: 490249). Advanced modeling of protein sequence and biophysical properties (such as structural, functional, and spatial information, amino acid conservation, physicochemical variation, residue mobility, and thermodynamic stability) performed at Invitae indicates that this missense variant is not expected to disrupt APC protein function with a negative predictive value of 95%. In summary, the available evidence is currently insufficient to determine the role of this variant in disease. Therefore, it has been classified as a Variant of Uncertain Significance.

Color Diagnostics, LLC DBA Color Health
Classification: Uncertain significance for Hereditary cancer-predisposing syndrome. Last evaluated: 2023-12-05. Review status: criteria provided, single submitter. Criteria: ACMG Guidelines, 2015. Collection method: clinical testing. Allele origin: germline.
Comment: This missense variant replaces alanine with serine at codon 888 of the APC protein. Computational prediction suggests that this variant may not impact protein structure and function (internally defined REVEL score threshold <= 0.5, PMID: 27666373). To our knowledge, functional studies have not been reported for this variant. This variant has not been reported in individuals affected with APC-related disorders in the literature. This variant has not been identified in the general population by the Genome Aggregation Database (gnomAD). The available evidence is insufficient to determine the role of this variant in disease conclusively. Therefore, this variant is classified as a Variant of Uncertain Significance.

Blueprint Genetics
Classification: Uncertain significance. Last evaluated: 2022-12-09. Review status: criteria provided, single submitter. Criteria: ACMG Guidelines, 2015. Collection method: clinical testing. Allele origin: germline.